The following is an entry in ClinVar:

ClinVar aggregate classification (germline): Benign (1 of 4 stars; one submission).

Submission:

Mayo Clinic Laboratories, Mayo Clinic
Classification: Benign. Last evaluated: 2025-06-03. Review status: criteria provided, single submitter. Criteria: ACMG Guidelines, 2015. Collection method: clinical testing. Allele origin: germline. Observed: 3 variant alleles.
Comment: BS1, BS2, BP4, BP7

NM_001257360.1:c.1404C>T

Gene: AMPD2 (adenosine monophosphate deaminase 2; plus strand).
Variant type: single nucleotide variant.
Other names: p.Tyr468=; c.1404C>T (NM_001257360.1).
Identifiers: ClinVar variation 4683360 (VCV004683360.1).